The following is an entry in ClinVar:

NM_003919.3(SGCE):c.344A>G (p.Tyr115Cys)

Genes: CASD1 (CAS1 domain sialic acid O acetyltransferase 1; plus strand), SGCE (sarcoglycan epsilon; minus strand). Cytogenetic location: 7q21.3.
Variant type: single nucleotide variant.
Coding change: c.344A>G on transcript NM_003919.3 (MANE Select); coding-DNA position 344, A replaced by G.
Protein change: p.Tyr115Cys; replaces tyrosine 115 with cysteine.
Molecular consequence: missense variant.
Genome position (GRCh38, 1-based): chr7:94,628,248, T>C on the plus strand (A>G on the coding strand, the complement: SGCE is on the minus strand). VCF-style: chr7-94628248-T-C. GRCh37 (hg19) VCF-style: chr7-94257560-T-C.
Other names: c.344A>G, p.Tyr115Cys (NM_001099400.2, NM_001099401.2, NM_001346717.2); c.221A>G, p.Tyr74Cys (NM_001301139.2, NM_001362809.2); c.452A>G, p.Tyr151Cys (NM_001346713.2, NM_001346715.2); c.257A>G, p.Tyr86Cys (NM_001346719.2, NM_001362807.2); c.71A>G, p.Tyr24Cys (NM_001346720.2, NM_001362808.2); short protein forms Y151C, Y115C, Y74C, Y86C, Y24C.
Identifiers: ClinVar variation 1454493 (VCV001454493.9), dbSNP rs2116958989, ClinGen allele CA368237987.

ClinVar aggregate classification (germline): Pathogenic/Likely pathogenic. Review status: criteria provided, multiple submitters, no conflicts (2 of 4 stars). 2 submissions from 2 submitters: Pathogenic (1); Likely pathogenic (1). Last evaluated 2022-04-28.

Conditions:
Myoclonic dystonia 11 (DYT11). Also called: SGCE Myoclonus-Dystonia; Myoclonus-Dystonia; Myoclonic dystonia; Dystonia 11; Dystonia, alcohol responsive; Hereditary essential myoclonus. Identifiers: Orphanet 36899, MedGen C1834570, MONDO:0008044, OMIM 159900.
SGCE-related disorder. Also called: SGCE-related condition.

Allele frequency attached by ClinVar (database versions not stated): gnomAD exomes below 0.00001.
gnomAD v4.1: 1 of 1,612,024 alleles (0.000062%); highest among the groups gnomAD compares: Non-Finnish European, 0.000085%; no homozygotes.

Submissions (2):

Blueprint Genetics
Classification: Likely pathogenic for SGCE-related disorders. Last evaluated: 2022-04-28. Review status: criteria provided, single submitter. Criteria: ACMG Guidelines, 2015. Collection method: clinical testing. Allele origin: germline. Affected: yes. Observed: 2 variant alleles.

Labcorp Genetics (formerly Invitae), Labcorp
Classification: Pathogenic for Myoclonic dystonia 11. Last evaluated: 2021-07-08. Review status: criteria provided, single submitter. Criteria: Invitae Variant Classification Sherloc (09022015). Collection method: clinical testing. Allele origin: germline.
Comment: This sequence change replaces tyrosine with cysteine at codon 115 of the SGCE protein (p.Tyr115Cys). The tyrosine residue is highly conserved and there is a large physicochemical difference between tyrosine and cysteine. This variant is not present in population databases (ExAC no frequency). This variant has been observed in individual(s) with dystonia (PMID: 16227522, Invitae). It has also been observed to segregate with disease in related individuals. Experimental studies have shown that this variant affects SGCE protein function (PMID: 21796726). For these reasons, this variant has been classified as Pathogenic.

Literature cited by the submitters: PubMed 16227522 (cited by Labcorp Genetics (formerly Invitae), Labcorp); PubMed 21796726 (cited by Labcorp Genetics (formerly Invitae), Labcorp).